The following is an entry in ClinVar:

NM_003611.3(OFD1):c.2996+4C>T

Gene: OFD1 (OFD1 centriole and centriolar satellite protein; plus strand). Cytogenetic location: Xp22.2.
Variant type: single nucleotide variant.
Coding change: c.2996+4C>T on transcript NM_003611.3 (MANE Select); 4 bases into the intron after coding-DNA position 2996, C replaced by T.
Molecular consequence: intron variant.
Genome position (GRCh38, 1-based): chrX:13,768,789, C>T. VCF-style: chrX-13768789-C-T. GRCh37 (hg19) VCF-style: chrX-13786908-C-T.
Other names: c.2576+4C>T (NM_001330210.2); c.2876+4C>T (NM_001330209.2).
Identifiers: ClinVar variation 3751793 (VCV003751793.2).
Genomic context (GRCh38, chrX:13,768,789, plus strand): 5'-GATGGTCCAAGAAGGCTCCCTAGTGGACACGCTGCAATCTAGTGACAAAGTCGAAAGGTA[C>T]CTGTTTTCCCTACACACTTTCATACACAAACTGTTAATTGCTTATTTTGTCAGCCAAGAG-3'

ClinVar aggregate classification (germline): Uncertain significance (1 of 4 stars; one submission).

Conditions:
Joubert syndrome. Also called: CEREBELLOPARENCHYMAL DISORDER IV; JOUBERT-BOLTSHAUSER SYNDROME; Familial aplasia of the vermis. Identifiers: Orphanet 475, MedGen C5979921, MONDO:0018772.
Orofaciodigital syndrome I (OFD1). Also called: OFDS I; Papillon-Leage and Psaume Syndrome; Oral-Facial-Digital Syndrome Type I. Identifiers: Orphanet 2750, MedGen C1510460, MONDO:0010702, OMIM 311200.

gnomAD v4.1: 9 of 1,183,154 alleles (0.00076%); highest among the groups gnomAD compares: East Asian, 0.024%; no homozygotes.

Submission:

Labcorp Genetics (formerly Invitae), Labcorp
Classification: Uncertain significance for Orofaciodigital syndrome I; Joubert syndrome. Last evaluated: 2024-12-03. Review status: criteria provided, single submitter. Criteria: Invitae Variant Classification Sherloc (09022015). Collection method: clinical testing. Allele origin: germline.
Comment: This sequence change falls in intron 22 of the OFD1 gene. It does not directly change the encoded amino acid sequence of the OFD1 protein. It affects a nucleotide within the consensus splice site. This variant is present in population databases (rs186058136, gnomAD 0.04%). This variant has not been reported in the literature in individuals affected with OFD1-related conditions. Variants that disrupt the consensus splice site are a relatively common cause of aberrant splicing (PMID: 17576681, 9536098). Algorithms developed to predict the effect of sequence changes on RNA splicing suggest that this variant is not likely to affect RNA splicing. In summary, the available evidence is currently insufficient to determine the role of this variant in disease. Therefore, it has been classified as a Variant of Uncertain Significance.

Literature cited by the submitters: PubMed 17576681; PubMed 9536098.